The following is an entry in ClinVar:

NM_000256.3(MYBPC3):c.1526G>C (p.Arg509Thr)

Gene: MYBPC3 (myosin binding protein C3; minus strand). Cytogenetic location: 11p11.2.
Variant type: single nucleotide variant.
Coding change: c.1526G>C on transcript NM_000256.3 (MANE Select); coding-DNA position 1526, G replaced by C.
Protein change: p.Arg509Thr; replaces arginine 509 with threonine.
Molecular consequence: missense variant.
Genome position (GRCh38, 1-based): chr11:47,342,676, C>G on the plus strand (G>C on the coding strand, the complement: MYBPC3 is on the minus strand). VCF-style: chr11-47342676-C-G. GRCh37 (hg19) VCF-style: chr11-47364227-C-G.
Other names: short protein forms R509T.
Identifiers: ClinVar variation 4742297 (VCV004742297.2).

ClinVar aggregate classification (germline): Uncertain significance. Review status: criteria provided, multiple submitters, no conflicts (2 of 4 stars). 2 submissions from 2 submitters: Uncertain significance (2). Last evaluated 2026-03-30.

Conditions:
Cardiovascular phenotype. Identifiers: MedGen CN230736.
Hypertrophic cardiomyopathy. Also called: HYPERTROPHIC MYOCARDIOPATHY. Identifiers: Orphanet 217569, MedGen C0007194, MeSH D002312, MONDO:0005045, HP:0001639.

Submissions (2):

Ambry Genetics
Classification: Uncertain significance for Cardiovascular phenotype. Last evaluated: 2026-03-30. Review status: criteria provided, single submitter. Criteria: Ambry Variant Classification Scheme 2023. Collection method: clinical testing. Allele origin: germline.
Comment: The p.R509T variant (also known as c.1526G>C), located in coding exon 17 of the MYBPC3 gene, results from a G to C substitution at nucleotide position 1526. The arginine at codon 509 is replaced by threonine, an amino acid with similar properties. This amino acid position is conserved. In addition, this alteration is predicted to be tolerated by in silico analysis. Based on the available evidence, the clinical significance of this variant remains unclear.

Labcorp Genetics (formerly Invitae), Labcorp
Classification: Uncertain significance for Hypertrophic cardiomyopathy. Last evaluated: 2025-06-24. Review status: criteria provided, single submitter. Criteria: Invitae Variant Classification Sherloc (09022015). Collection method: clinical testing. Allele origin: germline.
Comment: This sequence change replaces arginine, which is basic and polar, with threonine, which is neutral and polar, at codon 509 of the MYBPC3 protein (p.Arg509Thr). This variant is not present in population databases (gnomAD no frequency). This variant has not been reported in the literature in individuals affected with MYBPC3-related conditions. An algorithm developed to predict the effect of missense changes on protein structure and function (PolyPhen-2) suggests that this variant is likely to be tolerated. In summary, the available evidence is currently insufficient to determine the role of this variant in disease. Therefore, it has been classified as a Variant of Uncertain Significance.